The following is an entry in ClinVar:

NM_006567.5(FARS2):c.1199A>G (p.Asp400Gly)

Gene: FARS2 (phenylalanyl-tRNA synthetase 2, mitochondrial; plus strand). Cytogenetic location: 6p25.1.
Variant type: single nucleotide variant.
Coding change: c.1199A>G on transcript NM_006567.5 (MANE Select); coding-DNA position 1199, A replaced by G.
Protein change: p.Asp400Gly; replaces aspartic acid 400 with glycine.
Molecular consequence: missense variant.
Genome position (GRCh38, 1-based): chr6:5,613,302, A>G. VCF-style: chr6-5613302-A-G. GRCh37 (hg19) VCF-style: chr6-5613535-A-G.
Other names: c.1199A>G, p.Asp400Gly (NM_001318872.2, NM_001374875.1, NM_001374876.1 and 4 more transcripts); c.1067A>G, p.Asp356Gly (NM_001375258.1); c.503A>G, p.Asp168Gly (NM_001375259.1, NM_001375260.1); short protein forms D356G, D168G, D400G.
Identifiers: ClinVar variation 1035084 (VCV001035084.10), dbSNP rs1775290736, ClinGen allele CA362737041.
Genomic context (GRCh38, chr6:5,613,302, plus strand): 5'-ATTTCTATGACTTAGTCCGAACAATTGGAGGAGACCTGGTGGAAAAGGTTGATCTCATAG[A>G]CAAGTTTGTACATCCAAAGTAAGTGAAAAGCTTTCTGATTTTACCCTTGACTATCTCTGT-3'
Protein context (NP_006558.1, residues 390-410): GDLVEKVDLI[Asp400Gly]KFVHPKTHKT

ClinVar aggregate classification (germline): Uncertain significance (1 of 4 stars; one submission).

Conditions:
Combined oxidative phosphorylation defect type 14. Also called: Combined oxidative phosphorylation deficiency 14. Identifiers: Orphanet 319519, MedGen C4755312, MONDO:0013986, OMIM 614946.

Submission:

Labcorp Genetics (formerly Invitae), Labcorp
Classification: Uncertain significance for Combined oxidative phosphorylation defect type 14. Last evaluated: 2022-04-14. Review status: criteria provided, single submitter. Criteria: Invitae Variant Classification Sherloc (09022015). Collection method: clinical testing. Allele origin: germline.
Comment: This sequence change replaces aspartic acid, which is acidic and polar, with glycine, which is neutral and non-polar, at codon 400 of the FARS2 protein (p.Asp400Gly). In summary, the available evidence is currently insufficient to determine the role of this variant in disease. Therefore, it has been classified as a Variant of Uncertain Significance. Advanced modeling of protein sequence and biophysical properties (such as structural, functional, and spatial information, amino acid conservation, physicochemical variation, residue mobility, and thermodynamic stability) performed at Invitae indicates that this missense variant is expected to disrupt FARS2 protein function. ClinVar contains an entry for this variant (Variation ID: 1035084). This variant has not been reported in the literature in individuals affected with FARS2-related conditions. This variant is not present in population databases (gnomAD no frequency).